The following is an entry in ClinVar:

ClinVar aggregate classification (germline): Benign/Likely benign. Review status: criteria provided, multiple submitters, no conflicts (2 of 4 stars). 3 submissions from 3 submitters: Benign (1); Likely benign (2). Last evaluated 2026-01-23.

Conditions:
Chédiak-Higashi syndrome (CHS). Also called: Chediak-Higashi Syndrome. Identifiers: Orphanet 167, MedGen C0007965, MONDO:0008963, OMIM 214500.

Allele frequency attached by ClinVar (database versions not stated): gnomAD exomes 0.00009 and 0.00025; gnomAD 0.00010 and 0.00013; TOPMed 0.00023 and 0.00037; ExAC 0.00027; 1000 Genomes Project 30x 0.00047; 1000 Genomes Project 0.00060.

Submissions (3):

Labcorp Genetics (formerly Invitae), Labcorp
Classification: Benign for Chédiak-Higashi syndrome. Last evaluated: 2026-01-23. Review status: criteria provided, single submitter. Criteria: Invitae Variant Classification Sherloc (09022015). Collection method: clinical testing. Allele origin: germline.

Blueprint Genetics
Classification: Likely benign. Last evaluated: 2024-11-08. Review status: criteria provided, single submitter. Criteria: ACMG Guidelines, 2015. Collection method: clinical testing. Allele origin: germline.

Illumina Laboratory Services, Illumina
Classification: Likely benign for Chédiak-Higashi syndrome. Last evaluated: 2018-01-13. Review status: criteria provided, single submitter. Criteria: ICSL Variant Classification Criteria 13 December 2019. Collection method: clinical testing. Allele origin: germline.
Comment: This variant was observed in the ICSL laboratory as part of a predisposition screen in an ostensibly healthy population. It had not been previously curated by ICSL or reported in the Human Gene Mutation Database (HGMD: prior to June 1st, 2018), and was therefore a candidate for classification through an automated scoring system. Utilizing variant allele frequency, disease prevalence and penetrance estimates, and inheritance mode, an automated score was calculated to assess if this variant is too frequent to cause the disease. Based on the score and internal cut-off values, a variant classified as likely benign is not then subjected to further curation. The score for this variant resulted in a classification of likely benign for this disease.

NM_000081.4(LYST):c.1494A>G (p.Arg498=)

Gene: LYST (lysosomal trafficking regulator; minus strand). Cytogenetic location: 1q42.3.
Variant type: single nucleotide variant.
Coding change: c.1494A>G on transcript NM_000081.4 (MANE Select); coding-DNA position 1494, A replaced by G.
Protein change: p.Arg498=; no amino-acid change (arginine 498 retained).
Molecular consequence: synonymous variant.
Genome position (GRCh38, 1-based): chr1:235,809,324, T>C on the plus strand (A>G on the coding strand, the complement: LYST is on the minus strand). VCF-style: chr1-235809324-T-C. GRCh37 (hg19) VCF-style: chr1-235972624-T-C.
Other names: c.1494A>G, p.Arg498= (NM_001301365.1).
Identifiers: ClinVar variation 296430 (VCV000296430.16), dbSNP rs201412615, ClinGen allele CA1467463.
Genomic context (GRCh38, chr1:235,809,324, plus strand): 5'-ACCTGAGAGATCTCGGTGATGATGCATAAAATGAGAATATTCACATCGTCTGTGCCTTTT[T>C]CTTGTACACATCGAATGATGAAGTTGCTCTGATTTCACTTTTTTGACAGTGCTCATTATT-3'
Protein context (NP_000072.2, residues 488-508): SEQLHHSMCT[Arg498=]KRHRRCEYSH